The following is an entry in ClinVar:

ClinVar aggregate classification (germline): Uncertain significance. Review status: criteria provided, multiple submitters, no conflicts (2 of 4 stars). 2 submissions from 2 submitters: Uncertain significance (2). Last evaluated 2024-10-28.

Conditions:
Colorectal cancer, hereditary nonpolyposis, type 7. Identifiers: Orphanet 144, MedGen C1858380, MONDO:0013725, OMIM 614385.

Allele frequency attached by ClinVar (database versions not stated): gnomAD exomes below 0.00001.
gnomAD v4.1: 1 of 1,614,072 alleles (0.000062%); highest among the groups gnomAD compares: Non-Finnish European, 0.000085%; no homozygotes.

Submissions (2):

Ambry Genetics
Classification: Uncertain significance. Last evaluated: 2024-10-28. Review status: criteria provided, single submitter. Criteria: Ambry Variant Classification Scheme 2023. Collection method: clinical testing. Allele origin: germline.
Comment: The p.S531N variant (also known as c.1592G>A), located in coding exon 1 of the MLH3 gene, results from a G to A substitution at nucleotide position 1592. The serine at codon 531 is replaced by asparagine, an amino acid with highly similar properties. This amino acid position is conserved. In addition, this alteration is predicted to be tolerated by in silico analysis. Since supporting evidence is limited at this time, the clinical significance of this alteration remains unclear.

Labcorp Genetics (formerly Invitae), Labcorp
Classification: Uncertain significance for Colorectal cancer, hereditary nonpolyposis, type 7. Last evaluated: 2022-11-29. Review status: criteria provided, single submitter. Criteria: Invitae Variant Classification Sherloc (09022015). Collection method: clinical testing. Allele origin: germline.
Comment: This variant has not been reported in the literature in individuals affected with MLH3-related conditions. Algorithms developed to predict the effect of missense changes on protein structure and function output the following: SIFT: "Tolerated"; PolyPhen-2: "Benign"; Align-GVGD: "Class C0". The asparagine amino acid residue is found in multiple mammalian species, which suggests that this missense change does not adversely affect protein function. In summary, the available evidence is currently insufficient to determine the role of this variant in disease. Therefore, it has been classified as a Variant of Uncertain Significance. This sequence change replaces serine, which is neutral and polar, with asparagine, which is neutral and polar, at codon 531 of the MLH3 protein (p.Ser531Asn). This variant is not present in population databases (gnomAD no frequency).

NM_001040108.2(MLH3):c.1592G>A (p.Ser531Asn)

Gene: MLH3 (mutL homolog 3; minus strand). Cytogenetic location: 14q24.3.
Variant type: single nucleotide variant.
Coding change: c.1592G>A on transcript NM_001040108.2 (MANE Select); coding-DNA position 1592, G replaced by A.
Protein change: p.Ser531Asn; replaces serine 531 with asparagine.
Molecular consequence: missense variant.
Genome position (GRCh38, 1-based): chr14:75,048,064, C>T on the plus strand (G>A on the coding strand, the complement: MLH3 is on the minus strand). VCF-style: chr14-75048064-C-T. GRCh37 (hg19) VCF-style: chr14-75514767-C-T.
Other names: c.1592G>A, p.Ser531Asn (NM_014381.3); short protein forms S531N.
Identifiers: ClinVar variation 1775943 (VCV001775943.6), dbSNP rs2503291575, ClinGen allele CA390444934.